The following is an entry in ClinVar:

NM_014855.3(AP5Z1):c.704del (p.Asp235fs)

Gene: AP5Z1 (adaptor related protein complex 5 subunit zeta 1; plus strand). Cytogenetic location: 7p22.1.
Variant type: Deletion.
Coding change: c.704del on transcript NM_014855.3 (MANE Select); coding-DNA position 704, one base deleted (A; older notation c.704delA).
Protein change: p.Asp235fs; shifts the reading frame from aspartic acid 235.
Molecular consequence: frameshift variant. On other transcripts: non-coding transcript variant (1).
Genome position (GRCh38, 1-based): chr7:4,784,285, A deleted. VCF-style (leftmost placement, unchanged base first): chr7-4784284-GA-G. GRCh37 (hg19) VCF-style: chr7-4823915-GA-G.
Other names: c.236del, p.Asp79fs (NM_001364858.1); short protein forms D235fs, D79fs.
Identifiers: ClinVar variation 2853047 (VCV002853047.3), dbSNP rs1562406938, ClinGen allele CA572819466.
Genomic context (GRCh38, chr7:4,784,284, plus strand): 5'-GACGGGGCGGTAGCCACAGACTTCTTCACGGTGCTCTCCAGCGGCCACCGCTTCACAGAC[GA>G]CCAGTGGCTGAACGTGCAGGCCTTCTCTATGCTGCGGGCGTGGCTGCTGCACAGCGGCCC-3'

ClinVar aggregate classification (germline): Pathogenic (1 of 4 stars; one submission).

Conditions:
Hereditary spastic paraplegia 48. Also called: SPASTIC PARAPLEGIA 48, AUTOSOMAL RECESSIVE; Spastic paraplegia 48. Identifiers: Orphanet 306511, MedGen C3150901, MONDO:0013342, OMIM 613647.

Submission:

Labcorp Genetics (formerly Invitae), Labcorp
Classification: Pathogenic for Hereditary spastic paraplegia 48. Last evaluated: 2023-06-07. Review status: criteria provided, single submitter. Criteria: Invitae Variant Classification Sherloc (09022015). Collection method: clinical testing. Allele origin: germline.
Comment: This variant has not been reported in the literature in individuals affected with AP5Z1-related conditions. This sequence change creates a premature translational stop signal (p.Asp235Alafs*4) in the AP5Z1 gene. It is expected to result in an absent or disrupted protein product. Loss-of-function variants in AP5Z1 are known to be pathogenic (PMID: 20613862, 27606357). This variant is present in population databases (no rsID available, gnomAD 0.001%). For these reasons, this variant has been classified as Pathogenic.

Literature cited by the submitters: PubMed 20613862; PubMed 27606357.